The following is an entry in ClinVar:

NM_001374623.1(PNPLA1):c.1595+384G>C

Gene: PNPLA1 (patatin like domain 1, omega-hydroxyceramide transacylase; plus strand). Cytogenetic location: 6p21.31.
Variant type: single nucleotide variant.
Coding change: c.1595+384G>C on transcript NM_001374623.1 (MANE Select); 384 bases into the intron after coding-DNA position 1595, G replaced by C.
Molecular consequence: intron variant. On other transcripts: 3 prime UTR variant (3).
Genome position (GRCh38, 1-based): chr6:36,308,096, G>C. VCF-style: chr6-36308096-G-C. GRCh37 (hg19) VCF-style: chr6-36275873-G-C.
Other names: c.*380G>C (NM_001145716.2, NM_001145717.1, NM_173676.2).
Identifiers: ClinVar variation 906100 (VCV000906100.4), dbSNP rs146627469, ClinGen allele CA137393876.

ClinVar aggregate classification (germline): Benign (1 of 4 stars; one submission).

Conditions:
Autosomal recessive congenital ichthyosis 10 (ARCI10). Identifiers: Orphanet 79394, MedGen C3554355, MONDO:0014011, OMIM 615024.

Allele frequency attached by ClinVar (database versions not stated): 1000 Genomes Project 30x 0.01015; 1000 Genomes Project 0.01038; TOPMed 0.01354; gnomAD 0.01376 and 0.01401; gnomAD exomes 0.01907.
gnomAD v4.1: 2,198 of 157,048 alleles (1.4%); highest among the groups gnomAD compares: Non-Finnish European, 2.1%; 21 homozygotes.

Submission:

Illumina Laboratory Services, Illumina
Classification: Benign for Autosomal recessive congenital ichthyosis 10. Last evaluated: 2018-01-12. Review status: criteria provided, single submitter. Criteria: ICSL Variant Classification Criteria 13 December 2019. Collection method: clinical testing. Allele origin: germline.
Comment: This variant was observed in the ICSL laboratory as part of a predisposition screen in an ostensibly healthy population. It had not been previously curated by ICSL or reported in the Human Gene Mutation Database (HGMD: prior to June 1st, 2018), and was therefore a candidate for classification through an automated scoring system. Utilizing variant allele frequency, disease prevalence and penetrance estimates, and inheritance mode, an automated score was calculated to assess if this variant is too frequent to cause the disease. Based on the score and internal cut-off values, a variant classified as benign is not then subjected to further curation. The score for this variant resulted in a classification of benign for this disease.